The following is an entry in ClinVar:

NM_003119.4(SPG7):c.1664-177C>T

Gene: SPG7 (SPG7 matrix AAA peptidase subunit, paraplegin; plus strand). Cytogenetic location: 16q24.3.
Variant type: single nucleotide variant.
Coding change: c.1664-177C>T on transcript NM_003119.4 (MANE Select); 177 bases into the intron before coding-DNA position 1664, C replaced by T.
Molecular consequence: intron variant.
Genome position (GRCh38, 1-based): chr16:89,550,317, C>T. VCF-style: chr16-89550317-C-T. GRCh37 (hg19) VCF-style: chr16-89616725-C-T.
Other names: c.1664-177C>T (NM_001363850.1).
Identifiers: ClinVar variation 671694 (VCV000671694.2), dbSNP rs71396923, ClinGen allele CA14290887.

ClinVar aggregate classification (germline): Benign. Review status: criteria provided, multiple submitters, no conflicts (2 of 4 stars). 2 submissions from 2 submitters: Benign (2). Last evaluated 2018-06-14.

Allele frequency attached by ClinVar (database versions not stated): 1000 Genomes Project 30x 0.14710; 1000 Genomes Project 0.14776; gnomAD 0.16869 and 0.17081; gnomAD exomes 0.17225; TOPMed 0.17394.
gnomAD v4.1: 101,227 of 588,166 alleles (17%); highest among the groups gnomAD compares: Middle Eastern, 22%; 9,209 homozygotes.

Submissions (2):

GeneDx
Classification: Benign. Last evaluated: 2018-06-14. Review status: criteria provided, single submitter. Criteria: GeneDx Variant Classification (06012015). Collection method: clinical testing. Allele origin: germline. Affected: yes.
Comment: This variant is considered likely benign or benign based on one or more of the following criteria: it is a conservative change, it occurs at a poorly conserved position in the protein, it is predicted to be benign by multiple in silico algorithms, and/or has population frequency not consistent with disease.

Breakthrough Genomics
Classification: Benign. Review status: criteria provided, single submitter. Criteria: ACMG Guidelines, 2015. Collection method: not provided. Allele origin: germline. Inheritance: Autosomal recessive inheritance. Affected: yes.